The following is an entry in ClinVar:

ClinVar aggregate classification (germline): Uncertain significance (1 of 4 stars; one submission).

Submission:

GeneDx
Classification: Uncertain significance. Last evaluated: 2023-06-15. Review status: criteria provided, single submitter. Criteria: GeneDx Variant Classification Process June 2021. Collection method: clinical testing. Allele origin: germline. Affected: yes.
Comment: Not observed at significant frequency in large population cohorts (gnomAD); In silico analysis supports that this missense variant does not alter protein structure/function; Has not been previously published as pathogenic or benign to our knowledge

NM_001291303.3(FAT4):c.3544A>G (p.Thr1182Ala)

Gene: FAT4 (FAT atypical cadherin 4; plus strand). Cytogenetic location: 4q28.1.
Variant type: single nucleotide variant.
Coding change: c.3544A>G on transcript NM_001291303.3 (MANE Select); coding-DNA position 3544, A replaced by G.
Protein change: p.Thr1182Ala; replaces threonine 1182 with alanine.
Molecular consequence: missense variant.
Genome position (GRCh38, 1-based): chr4:125,319,955, A>G. VCF-style: chr4-125319955-A-G. GRCh37 (hg19) VCF-style: chr4-126241110-A-G.
Other names: c.3544A>G, p.Thr1182Ala (NM_001291285.3, NM_024582.6); short protein forms T1182A.
Identifiers: ClinVar variation 3252909 (VCV003252909.1), dbSNP rs2530443860.